The following is an entry in ClinVar:

ClinVar aggregate classification (germline): Uncertain significance. Review status: criteria provided, multiple submitters, no conflicts (2 of 4 stars). 2 submissions from 2 submitters: Uncertain significance (2). Last evaluated 2023-08-17.

Conditions:
Inborn genetic diseases. Identifiers: MedGen C0950123, MeSH D030342.

Allele frequency attached by ClinVar (database versions not stated): gnomAD exomes 0.00001; gnomAD 0.00003 and 0.00004; TOPMed 0.00004; ExAC 0.00006.
gnomAD v4.1: 19 of 1,535,996 alleles (0.0012%); highest among the groups gnomAD compares: African/African-American, 0.0055%; no homozygotes.

Submissions (2):

Labcorp Genetics (formerly Invitae), Labcorp
Classification: Uncertain significance. Last evaluated: 2023-08-17. Review status: criteria provided, single submitter. Criteria: Invitae Variant Classification Sherloc (09022015). Collection method: clinical testing. Allele origin: germline.
Comment: In summary, the available evidence is currently insufficient to determine the role of this variant in disease. Therefore, it has been classified as a Variant of Uncertain Significance. Advanced modeling of protein sequence and biophysical properties (such as structural, functional, and spatial information, amino acid conservation, physicochemical variation, residue mobility, and thermodynamic stability) performed at Invitae indicates that this missense variant is not expected to disrupt FAM20C protein function. ClinVar contains an entry for this variant (Variation ID: 1351442). This variant has not been reported in the literature in individuals affected with FAM20C-related conditions. This variant is present in population databases (rs756159495, gnomAD 0.02%). This sequence change replaces proline, which is neutral and non-polar, with leucine, which is neutral and non-polar, at codon 433 of the FAM20C protein (p.Pro433Leu).

Ambry Genetics
Classification: Uncertain significance for Inborn genetic diseases. Last evaluated: 2023-06-26. Review status: criteria provided, single submitter. Criteria: Ambry Variant Classification Scheme 2023. Collection method: clinical testing. Allele origin: germline.

NM_020223.4(FAM20C):c.1298C>T (p.Pro433Leu)

Gene: FAM20C (FAM20C golgi associated secretory pathway kinase; plus strand). Cytogenetic location: 7p22.3.
Variant type: single nucleotide variant.
Coding change: c.1298C>T on transcript NM_020223.4 (MANE Select); coding-DNA position 1298, C replaced by T.
Protein change: p.Pro433Leu; replaces proline 433 with leucine.
Molecular consequence: missense variant.
Genome position (GRCh38, 1-based): chr7:256,698, C>T. VCF-style: chr7-256698-C-T. GRCh37 (hg19) VCF-style: chr7-296664-C-T.
Other names: c.1298C>T (NM_020223.2); short protein forms P433L.
Identifiers: ClinVar variation 1351442 (VCV001351442.9), dbSNP rs756159495, ClinGen allele CA4109151.
Genomic context (GRCh38, chr7:256,698, plus strand): 5'-CGCTGGCTCCCCGCAGGTGGGAGGTGGACCCTGACTACTGCGAGGAGGTGAAGCAGACAC[C>T]GCCCTACGACAGCAGCCACCGCATCCTGGACGTCATGGACATGACGATCTTCGACTTCCT-3'
Protein context (NP_064608.2, residues 423-443): PDYCEEVKQT[Pro433Leu]PYDSSHRILD